The following is an entry in ClinVar:

ClinVar aggregate classification (germline): Pathogenic/Likely pathogenic. Review status: criteria provided, multiple submitters, no conflicts (2 of 4 stars). 3 submissions from 3 submitters: Pathogenic (1); Likely pathogenic (1). 1 of the submissions does not count toward it. Last evaluated 2024-08-17.

Conditions:
Usher syndrome type 1F (USH1F). Also called: USHER SYNDROME, TYPE IF. Identifiers: Orphanet 231169, Orphanet 886, MedGen C1865885, MONDO:0011186, OMIM 602083.

Submissions (3):

Labcorp Genetics (formerly Invitae), Labcorp
Classification: Pathogenic. Last evaluated: 2024-08-17. Review status: criteria provided, single submitter. Criteria: Invitae Variant Classification Sherloc (09022015). Collection method: clinical testing. Allele origin: germline.
Comment: This sequence change creates a premature translational stop signal (p.Gln1535Ilefs*25) in the PCDH15 gene. While this is not anticipated to result in nonsense mediated decay, it is expected to disrupt the last 421 amino acid(s) of the PCDH15 protein. This variant is present in population databases (rs771473483, gnomAD 0.003%). This variant has not been reported in the literature in individuals affected with PCDH15-related conditions. ClinVar contains an entry for this variant (Variation ID: 557957). This variant disrupts a region of the PCDH15 protein in which other variant(s) (p.Gln1576*) have been determined to be pathogenic (PMID: 28281779). This suggests that this is a clinically significant region of the protein, and that variants that disrupt it are likely to be disease-causing. For these reasons, this variant has been classified as Pathogenic.

GeneDx
Classification: Likely pathogenic. Last evaluated: 2022-06-13. Review status: criteria provided, single submitter. Criteria: GeneDx Variant Classification Process June 2021. Collection method: clinical testing. Allele origin: germline. Affected: yes.
Comment: Frameshift variant predicted to result in protein truncation, as the last 421 amino acids are replaced with 24 different amino acids, and other loss-of-function variants have been reported downstream in (HGMD); Not observed at significant frequency in large population cohorts (gnomAD); Has not been previously published as pathogenic or benign to our knowledge

Counsyl
Classification: Uncertain significance for Usher syndrome type 1F. Last evaluated: 2018-04-18. Review status: no assertion criteria provided. Collection method: clinical testing. Allele origin: unknown. Not counted in ClinVar's aggregate classification.

Literature cited by the submitters: PubMed 28281779 (cited by Labcorp Genetics (formerly Invitae), Labcorp).

NM_033056.4(PCDH15):c.4603_4607del (p.Gln1535fs)

Gene: PCDH15 (protocadherin related 15; minus strand). Cytogenetic location: 10q21.1.
Variant type: Deletion.
Coding change: c.4603_4607del on transcript NM_033056.4 (MANE Plus Clinical); coding-DNA positions 4603 to 4607, 5 bases deleted (CAAGT; older notation c.4603_4607delCAAGT).
Protein change: p.Gln1535fs; shifts the reading frame from glutamine 1535.
Molecular consequence: frameshift variant. On other transcripts: intron variant (8).
Genome position (GRCh38, 1-based): chr10:53,823,119-53,823,123, ACTTG deleted on the plus strand (CAAGT on the coding strand, the reverse complement: PCDH15 is on the minus strand); deleting any 5 consecutive bases within chr10:53,823,119-53,823,127 gives the same sequence; the c. name uses the placement nearest the transcript's 3' end. VCF-style (leftmost placement, unchanged base first): chr10-53823118-TACTTG-T. GRCh37 (hg19) VCF-style: chr10-55582878-TACTTG-T.
Other names: c.4603_4607del5 (NM_033056.3); c.4624_4628del, p.Gln1542fs (NM_001142763.2); c.4609_4613del, p.Gln1537fs (NM_001142764.2); c.4396_4400del, p.Gln1466fs (NM_001142765.2); c.4594_4598del, p.Gln1532fs (NM_001142766.2); c.4483_4487del, p.Gln1495fs (NM_001142767.2); c.4543_4547del, p.Gln1515fs (NM_001142768.2); c.4534_4538del, p.Gln1512fs (NM_001142773.2); and 7 more; short protein forms Q1495fs, Q1542fs, Q1532fs, Q1512fs, Q1513fs, Q1537fs, Q1466fs, Q1515fs.
Identifiers: ClinVar variation 557957 (VCV000557957.11), dbSNP rs771473483, ClinGen allele CA5505239.